The following is an entry in ClinVar:

ClinVar aggregate classification (germline): Uncertain significance (1 of 4 stars; one submission).

gnomAD v4.1: 1 of 1,613,884 alleles (0.000062%); highest among the groups gnomAD compares: Non-Finnish European, 0.000085%; no homozygotes.

Submission:

Ambry Genetics
Classification: Uncertain significance. Last evaluated: 2026-04-23. Review status: criteria provided, single submitter. Criteria: Ambry Variant Classification Scheme 2023. Collection method: clinical testing. Allele origin: germline.
Comment: The p.G336A variant (also known as c.1007G>C), located in coding exon 3 of the WNK2 gene, results from a G to C substitution at nucleotide position 1007. The glycine at codon 336 is replaced by alanine, an amino acid with similar properties. This amino acid position is conserved. In addition, the in silico prediction for this alteration is inconclusive. Based on the available evidence, the clinical significance of this variant remains unclear.

NM_006648.4(WNK2):c.1007G>C (p.Gly336Ala)

Gene: WNK2 (WNK lysine deficient protein kinase 2; plus strand). Cytogenetic location: 9q22.31.
Variant type: single nucleotide variant.
Coding change: c.1007G>C on transcript NM_006648.4 (MANE Select); coding-DNA position 1007, G replaced by C.
Protein change: p.Gly336Ala; replaces glycine 336 with alanine.
Molecular consequence: missense variant.
Genome position (GRCh38, 1-based): chr9:93,231,040, G>C. VCF-style: chr9-93231040-G-C. GRCh37 (hg19) VCF-style: chr9-95993322-G-C.
Other names: c.1007G>C, p.Gly336Ala (NM_001282394.3); short protein forms G336A.
Identifiers: ClinVar variation 4866622 (VCV004866622.1).